The following is an entry in ClinVar:

NM_004446.3(EPRS1):c.2141G>A (p.Gly714Glu)

Gene: EPRS1 (glutamyl-prolyl-tRNA synthetase 1; minus strand). Cytogenetic location: 1q41.
Variant type: single nucleotide variant.
Coding change: c.2141G>A on transcript NM_004446.3 (MANE Select); coding-DNA position 2141, G replaced by A.
Protein change: p.Gly714Glu; replaces glycine 714 with glutamic acid.
Molecular consequence: missense variant.
Genome position (GRCh38, 1-based): chr1:220,001,178, C>T on the plus strand (G>A on the coding strand, the complement: EPRS1 is on the minus strand). VCF-style: chr1-220001178-C-T. GRCh37 (hg19) VCF-style: chr1-220174520-C-T.
Other names: c.2141G>A (NM_004446.2); short protein forms G714E.
Identifiers: ClinVar variation 1680970 (VCV001680970.11), dbSNP rs374231493, ClinGen allele CA1400062.
Genomic context (GRCh38, chr1:220,001,178, plus strand): 5'-ATATCCGTAAAAGTCATTACCTCATTTTTTGTGGCTTCTACTTTGGTCTTTTCCTTTGAC[C>T]CTGATGTTGGCATTTCCTTTGTGTGCCCATCAGGAATGTATATCAAAACACACGGGGCTT-3'
Protein context (NP_004437.2, residues 704-724): DGHTKEMPTS[Gly714Glu]SKEKTKVEAT

ClinVar aggregate classification (germline): Uncertain significance. Review status: criteria provided, multiple submitters, no conflicts (2 of 4 stars). 4 submissions from 4 submitters: Uncertain significance (4). Last evaluated 2026-03-13.

Conditions:
Inborn genetic diseases. Identifiers: MedGen C0950123, MeSH D030342.

Allele frequency attached by ClinVar (database versions not stated): ExAC 0.00002; gnomAD exomes 0.00002; gnomAD 0.00007 and 0.00008; TOPMed 0.00013; ESP Exome Variant Server 0.00023.
gnomAD v4.1: 25 of 1,613,598 alleles (0.0015%); highest among the groups gnomAD compares: African/African-American, 0.028%; no homozygotes.

Submissions (4):

GeneDx
Classification: Uncertain significance. Last evaluated: 2026-03-13. Review status: criteria provided, single submitter. Criteria: GeneDx Variant Classification Process June 2021. Collection method: clinical testing. Allele origin: germline.
Comment: In silico analysis supports that this missense variant has a deleterious effect on protein structure/function; Has not been previously published as pathogenic or benign to our knowledge

Labcorp Genetics (formerly Invitae), Labcorp
Classification: Uncertain significance. Last evaluated: 2026-01-05. Review status: criteria provided, single submitter. Criteria: Invitae Variant Classification Sherloc (09022015). Collection method: clinical testing. Allele origin: germline.
Comment: This sequence change replaces glycine, which is neutral and non-polar, with glutamic acid, which is acidic and polar, at codon 714 of the EPRS protein (p.Gly714Glu). This variant is present in population databases (rs374231493, gnomAD 0.02%). This variant has not been reported in the literature in individuals affected with EPRS-related conditions. ClinVar contains an entry for this variant (Variation ID: 1680970). An algorithm developed to predict the effect of missense changes on protein structure and function (PolyPhen-2) suggests that this variant is likely to be tolerated. In summary, the available evidence is currently insufficient to determine the role of this variant in disease. Therefore, it has been classified as a Variant of Uncertain Significance.

Ambry Genetics
Classification: Uncertain significance for Inborn genetic diseases. Last evaluated: 2024-11-12. Review status: criteria provided, single submitter. Criteria: Ambry Variant Classification Scheme 2023. Collection method: clinical testing. Allele origin: germline.

Breakthrough Genomics
Classification: Uncertain significance. Review status: criteria provided, single submitter. Criteria: ACMG Guidelines, 2015. Collection method: not provided. Allele origin: germline. Inheritance: Autosomal recessive inheritance. Affected: yes.